The following is an entry in ClinVar:

ClinVar aggregate classification (germline): Uncertain significance. Review status: criteria provided, multiple submitters, no conflicts (2 of 4 stars). 2 submissions from 2 submitters: Uncertain significance (2). Last evaluated 2024-01-24.

gnomAD v4.1: 1 of 1,609,906 alleles (0.000062%); highest among the groups gnomAD compares: Admixed American, 0.0017%; no homozygotes.

Submissions (2):

Labcorp Genetics (formerly Invitae), Labcorp
Classification: Uncertain significance. Last evaluated: 2024-01-24. Review status: criteria provided, single submitter. Criteria: Invitae Variant Classification Sherloc (09022015). Collection method: clinical testing. Allele origin: germline.
Comment: This sequence change replaces arginine, which is basic and polar, with leucine, which is neutral and non-polar, at codon 520 of the STAG1 protein (p.Arg520Leu). This variant is not present in population databases (gnomAD no frequency). This variant has not been reported in the literature in individuals affected with STAG1-related conditions. ClinVar contains an entry for this variant (Variation ID: 450645). Advanced modeling of protein sequence and biophysical properties (such as structural, functional, and spatial information, amino acid conservation, physicochemical variation, residue mobility, and thermodynamic stability) performed at Invitae indicates that this missense variant is not expected to disrupt STAG1 protein function with a negative predictive value of 80%. In summary, the available evidence is currently insufficient to determine the role of this variant in disease. Therefore, it has been classified as a Variant of Uncertain Significance.

GeneDx
Classification: Uncertain significance. Last evaluated: 2017-07-25. Review status: criteria provided, single submitter. Criteria: GeneDx Variant Classification (06012015). Collection method: clinical testing. Allele origin: germline. Affected: yes.
Comment: The R520L variant in the STAG1 gene has not been reported previously as a pathogenic variant, nor as a benign variant, to our knowledge. The R520L variant is not observed in large population cohorts (Lek et al., 2016; 1000 Genomes Consortium et al., 2015; Exome Variant Server). The R520L variant is a non-conservative amino acid substitution, which is likely to impact secondary protein structure as these residues differ in polarity, charge, size and/or other properties. This substitution occurs at a position that is conserved across species, and in silico analysis predicts this variant is probably damaging to the protein structure/function. We interpret R520L as a variant of uncertain significance.

NM_005862.3(STAG1):c.1559G>T (p.Arg520Leu)

Gene: STAG1 (STAG1 cohesin complex component; minus strand). Cytogenetic location: 3q22.3.
Variant type: single nucleotide variant.
Coding change: c.1559G>T on transcript NM_005862.3 (MANE Select); coding-DNA position 1559, G replaced by T.
Protein change: p.Arg520Leu; replaces arginine 520 with leucine.
Molecular consequence: missense variant.
Genome position (GRCh38, 1-based): chr3:136,433,647, C>A on the plus strand (G>T on the coding strand, the complement: STAG1 is on the minus strand). VCF-style: chr3-136433647-C-A. GRCh37 (hg19) VCF-style: chr3-136152489-C-A.
Other names: short protein forms R520L.
Identifiers: ClinVar variation 450645 (VCV000450645.5), dbSNP rs749698375, ClinGen allele CA354646420.